The following is an entry in ClinVar:

ClinVar aggregate classification (germline): Likely benign (1 of 4 stars; one submission).

Allele frequency attached by ClinVar (database versions not stated): ExAC 0.00008; gnomAD 0.00015; TOPMed 0.00015; ESP Exome Variant Server 0.00023.
gnomAD v4.1: 483 of 1,612,696 alleles (0.03%); highest among the groups gnomAD compares: Non-Finnish European, 0.038%; no homozygotes.

Submission:

CeGaT Center for Human Genetics Tuebingen
Classification: Likely benign. Last evaluated: 2022-07-01. Review status: criteria provided, single submitter. Criteria: CeGaT Center For Human Genetics Tuebingen Variant Classification Criteria Version 2. Collection method: clinical testing. Allele origin: germline. Affected: yes. Observed: 1 variant allele.
Comment: MYOM2: BP4, BP7

NM_003970.4(MYOM2):c.1623G>A (p.Pro541=)

Gene: MYOM2 (myomesin 2; plus strand). Cytogenetic location: 8p23.3.
Variant type: single nucleotide variant.
Coding change: c.1623G>A on transcript NM_003970.4 (MANE Select); coding-DNA position 1623, G replaced by A.
Protein change: p.Pro541=; no amino-acid change (proline 541 retained).
Molecular consequence: synonymous variant.
Genome position (GRCh38, 1-based): chr8:2,085,369, G>A. VCF-style: chr8-2085369-G-A. GRCh37 (hg19) VCF-style: chr8-2033501-G-A.
Identifiers: ClinVar variation 2658310 (VCV002658310.24), dbSNP rs147335228, ClinGen allele CA170453015.